The following is an entry in ClinVar:

NM_001277115.2(DNAH11):c.3621dup (p.Pro1208fs)

Gene: DNAH11 (dynein axonemal heavy chain 11; plus strand). Cytogenetic location: 7p15.3.
Variant type: Duplication.
Coding change: c.3621dup on transcript NM_001277115.2 (MANE Select); coding-DNA position 3621, one base duplicated (G; older notation c.3621dupG).
Protein change: p.Pro1208fs; shifts the reading frame from proline 1208.
Molecular consequence: frameshift variant.
Genome position (GRCh38, 1-based): chr7:21,601,591, G duplicated. VCF-style (leftmost placement, unchanged base first): chr7-21601590-T-TG. GRCh37 (hg19) VCF-style: chr7-21641208-T-TG.
Other names: short protein forms P1208fs.
Identifiers: ClinVar variation 3640922 (VCV003640922.2).

ClinVar aggregate classification (germline): Pathogenic (1 of 4 stars; one submission).

Conditions:
Primary ciliary dyskinesia. Also called: Ciliary dyskinesia. Identifiers: Orphanet 244, MedGen C0008780, MONDO:0016575, HP:0012265.

Submission:

Labcorp Genetics (formerly Invitae), Labcorp
Classification: Pathogenic for Primary ciliary dyskinesia. Last evaluated: 2024-02-14. Review status: criteria provided, single submitter. Criteria: Invitae Variant Classification Sherloc (09022015). Collection method: clinical testing. Allele origin: germline.
Comment: This sequence change creates a premature translational stop signal (p.Pro1208Alafs*2) in the DNAH11 gene. It is expected to result in an absent or disrupted protein product. Loss-of-function variants in DNAH11 are known to be pathogenic (PMID: 18022865, 20513915, 22184204). This variant is not present in population databases (gnomAD no frequency). This variant has not been reported in the literature in individuals affected with DNAH11-related conditions. For these reasons, this variant has been classified as Pathogenic.

Literature cited by the submitters: PubMed 18022865; PubMed 20513915; PubMed 22184204.